The following is an entry in ClinVar:

ClinVar aggregate classification (germline): Uncertain significance. Review status: criteria provided, multiple submitters, no conflicts (2 of 4 stars). 3 submissions from 3 submitters: Uncertain significance (2). 1 of the submissions does not count toward it. Last evaluated 2025-08-11.

Conditions:
Hereditary cancer-predisposing syndrome. Also called: Hereditary neoplastic syndrome; Hereditary Cancer Syndrome; Neoplastic Syndromes, Hereditary; Tumor predisposition. Identifiers: Orphanet 140162, MedGen C0027672, MeSH D009386, MONDO:0015356.
EGFR-related lung cancer (EGFR). Identifiers: MedGen CN130014.
Malignant tumor of urinary bladder. Also called: Urinary bladder cancer; Bladder cancer; Urinary Bladder Neoplasms. Identifiers: MedGen C0005684, MONDO:0001187, OMIM 109800.

gnomAD v4.1: 1 of 1,614,030 alleles (0.000062%); highest among the groups gnomAD compares: Non-Finnish European, 0.000085%; no homozygotes.

Submissions (3):

Labcorp Genetics (formerly Invitae), Labcorp
Classification: Uncertain significance for EGFR-related lung cancer. Last evaluated: 2025-08-11. Review status: criteria provided, single submitter. Criteria: Invitae Variant Classification Sherloc (09022015). Collection method: clinical testing. Allele origin: germline.
Comment: This sequence change replaces glycine, which is neutral and non-polar, with serine, which is neutral and polar, at codon 863 of the EGFR protein (p.Gly863Ser). This variant is not present in population databases (gnomAD no frequency). This variant has not been reported in the literature in individuals affected with EGFR-related conditions. ClinVar contains an entry for this variant (Variation ID: 1404070). Invitae Evidence Modeling of protein sequence and biophysical properties (such as structural, functional, and spatial information, amino acid conservation, physicochemical variation, residue mobility, and thermodynamic stability) indicates that this missense variant is not expected to disrupt EGFR protein function with a negative predictive value of 80%. In summary, the available evidence is currently insufficient to determine the role of this variant in disease. Therefore, it has been classified as a Variant of Uncertain Significance.

Ambry Genetics
Classification: Uncertain significance for Hereditary cancer-predisposing syndrome. Last evaluated: 2025-07-09. Review status: criteria provided, single submitter. Criteria: Ambry Variant Classification Scheme 2023. Collection method: clinical testing. Allele origin: germline.
Comment: The p.G863S variant (also known as c.2587G>A), located in coding exon 21 of the EGFR gene, results from a G to A substitution at nucleotide position 2587. The glycine at codon 863 is replaced by serine, an amino acid with similar properties. This amino acid position is well conserved in available vertebrate species. In addition, the in silico prediction for this alteration is inconclusive. Based on the available evidence, the clinical significance of this variant remains unclear.

Laboratory of Urology, Hospital Clinic de Barcelona
Classification: Pathogenic for Malignant tumor of urinary bladder. Review status: no assertion criteria provided. Collection method: research. Allele origin: somatic. Affected: yes. Not counted in ClinVar's aggregate classification.

NM_005228.5(EGFR):c.2587G>A (p.Gly863Ser)

Gene: EGFR (epidermal growth factor receptor; plus strand). Cytogenetic location: 7p11.2.
Variant type: single nucleotide variant.
Coding change: c.2587G>A on transcript NM_005228.5 (MANE Select); coding-DNA position 2587, G replaced by A.
Protein change: p.Gly863Ser; replaces glycine 863 with serine.
Molecular consequence: missense variant.
Genome position (GRCh38, 1-based): chr7:55,191,836, G>A. VCF-style: chr7-55191836-G-A. GRCh37 (hg19) VCF-style: chr7-55259529-G-A.
Other names: c.2452G>A, p.Gly818Ser (NM_001346897.2, NM_001346899.2); c.2587G>A, p.Gly863Ser (NM_001346898.2); c.2428G>A, p.Gly810Ser (NM_001346900.2); c.1786G>A, p.Gly596Ser (NM_001346941.2); c.2587G>A (NM_005228.3); short protein forms G810S, G863S, G596S, G818S.
Identifiers: ClinVar variation 1404070 (VCV001404070.9), dbSNP rs2128964656, ClinGen allele CA367580297.